The following is an entry in ClinVar:

NM_001003800.2(BICD2):c.11C>G (p.Pro4Arg)

Gene: BICD2 (BICD cargo adaptor 2; minus strand). Cytogenetic location: 9q22.31.
Variant type: single nucleotide variant.
Coding change: c.11C>G on transcript NM_001003800.2 (MANE Select); coding-DNA position 11, C replaced by G.
Protein change: p.Pro4Arg; replaces proline 4 with arginine.
Molecular consequence: missense variant.
Genome position (GRCh38, 1-based): chr9:92,764,734, G>C on the plus strand (C>G on the coding strand, the complement: BICD2 is on the minus strand). VCF-style: chr9-92764734-G-C. GRCh37 (hg19) VCF-style: chr9-95527016-G-C.
Other names: c.11C>G, p.Pro4Arg (NM_015250.4); short protein forms P4R.
Identifiers: ClinVar variation 2871498 (VCV002871498.3), dbSNP rs1266874937, ClinGen allele CA374033433.

ClinVar aggregate classification (germline): Uncertain significance (1 of 4 stars; one submission).

Conditions:
Autosomal dominant childhood-onset proximal spinal muscular atrophy with contractures (SMALED2A). Also called: SPINAL MUSCULAR ATROPHY, LOWER EXTREMITY-PREDOMINANT, 2A, CHILDHOOD ONSET, AUTOSOMAL DOMINANT; Spinal muscular atrophy, lower extremity-predominant, 2A, autosomal dominant. Identifiers: Orphanet 363447, Orphanet 363454, MedGen C4747715, MONDO:0014121, OMIM 615290.

Submission:

Labcorp Genetics (formerly Invitae), Labcorp
Classification: Uncertain significance for Autosomal dominant childhood-onset proximal spinal muscular atrophy with contractures. Last evaluated: 2023-02-14. Review status: criteria provided, single submitter. Criteria: Invitae Variant Classification Sherloc (09022015). Collection method: clinical testing. Allele origin: germline.
Comment: In summary, the available evidence is currently insufficient to determine the role of this variant in disease. Therefore, it has been classified as a Variant of Uncertain Significance. Advanced modeling of protein sequence and biophysical properties (such as structural, functional, and spatial information, amino acid conservation, physicochemical variation, residue mobility, and thermodynamic stability) performed at Invitae indicates that this missense variant is not expected to disrupt BICD2 protein function. This variant has not been reported in the literature in individuals affected with BICD2-related conditions. This variant is not present in population databases (gnomAD no frequency). This sequence change replaces proline, which is neutral and non-polar, with arginine, which is basic and polar, at codon 4 of the BICD2 protein (p.Pro4Arg).